The following is an entry in ClinVar:

ClinVar aggregate classification (germline): Uncertain significance (1 of 4 stars; one submission).

Submission:

Ambry Genetics
Classification: Uncertain significance. Last evaluated: 2026-07-13. Review status: criteria provided, single submitter. Criteria: Ambry Variant Classification Scheme 2023. Collection method: clinical testing. Allele origin: germline.
Comment: The p.D300E variant (also known as c.900T>G), located in coding exon 1 of the TET2 gene, results from a T to G substitution at nucleotide position 900. The aspartic acid at codon 300 is replaced by glutamic acid, an amino acid with highly similar properties. This amino acid position is conserved. In addition, this alteration is predicted to be tolerated by in silico analysis. Based on the available evidence, the clinical significance of this variant remains unclear.

NM_001127208.3(TET2):c.900T>G (p.Asp300Glu)

Genes: TET2 (tet methylcytosine dioxygenase 2; plus strand), TET2-AS1 (TET2 antisense RNA 1; minus strand). Cytogenetic location: 4q24.
Variant type: single nucleotide variant.
Coding change: c.900T>G on transcript NM_001127208.3 (MANE Select); coding-DNA position 900, T replaced by G.
Protein change: p.Asp300Glu; replaces aspartic acid 300 with glutamic acid.
Molecular consequence: missense variant.
Genome position (GRCh38, 1-based): chr4:105,234,842, T>G. VCF-style: chr4-105234842-T-G. GRCh37 (hg19) VCF-style: chr4-106155999-T-G.
Other names: c.900T>G, p.Asp300Glu (NM_017628.4); short protein forms D300E.
Identifiers: ClinVar variation 5030712 (VCV005030712.1).